The following is an entry in ClinVar:

ClinVar aggregate classification (germline): Uncertain significance (1 of 4 stars; one submission).

Conditions:
Neuroblastoma, susceptibility to, 3. Also called: ALK-Related Neuroblastic Tumor Susceptibility. Identifiers: Orphanet 635, MedGen C2751681, MONDO:0013083, OMIM 613014.

gnomAD v4.1: 1 of 1,614,204 alleles (0.000062%); highest among the groups gnomAD compares: South Asian, 0.0011%; no homozygotes.

Submission:

Labcorp Genetics (formerly Invitae), Labcorp
Classification: Uncertain significance for Neuroblastoma, susceptibility to, 3. Last evaluated: 2024-05-26. Review status: criteria provided, single submitter. Criteria: Invitae Variant Classification Sherloc (09022015). Collection method: clinical testing. Allele origin: germline.
Comment: This sequence change replaces glutamic acid, which is acidic and polar, with aspartic acid, which is acidic and polar, at codon 1016 of the ALK protein (p.Glu1016Asp). This variant is not present in population databases (gnomAD no frequency). This variant has not been reported in the literature in individuals affected with ALK-related conditions. Algorithms developed to predict the effect of missense changes on protein structure and function output the following: SIFT: "Not Available"; PolyPhen-2: "Benign"; Align-GVGD: "Not Available". The aspartic acid amino acid residue is found in multiple mammalian species, which suggests that this missense change does not adversely affect protein function. In summary, the available evidence is currently insufficient to determine the role of this variant in disease. Therefore, it has been classified as a Variant of Uncertain Significance.

NM_004304.5(ALK):c.3048G>C (p.Glu1016Asp)

Gene: ALK (ALK receptor tyrosine kinase; minus strand). Cytogenetic location: 2p23.2.
Variant type: single nucleotide variant.
Coding change: c.3048G>C on transcript NM_004304.5 (MANE Select); coding-DNA position 3048, G replaced by C.
Protein change: p.Glu1016Asp; replaces glutamic acid 1016 with aspartic acid.
Molecular consequence: missense variant.
Genome position (GRCh38, 1-based): chr2:29,226,941, C>G on the plus strand (G>C on the coding strand, the complement: ALK is on the minus strand). VCF-style: chr2-29226941-C-G. GRCh37 (hg19) VCF-style: chr2-29449807-C-G.
Other names: short protein forms E1016D.
Identifiers: ClinVar variation 3654594 (VCV003654594.2).
Genomic context (GRCh38, chr2:29,226,941, plus strand): 5'-GGCTATGGGCCCCTCTGCCTCCCCTGGCCCTGCCCCCTTACCAATGCAGGAGACGCCATC[C>G]TCAGCCAGCACCGTCCCGTGGTCACAGAAGCAGATGACCTTGTGGCTTTCAGGGTCCATG-3'
Protein context (NP_004295.2, residues 1006-1026): CFCDHGTVLA[Glu1016Asp]DGVSCIVSPT